The following is an entry in ClinVar:

ClinVar aggregate classification (germline): Likely benign (1 of 4 stars; one submission).

Conditions:
ARID1B-Related Disorder. Identifiers: MedGen CN381337.

gnomAD v4.1: 1 of 1,614,022 alleles (0.000062%); highest among the groups gnomAD compares: African/African-American, 0.0013%; no homozygotes.

Submission:

PreventionGenetics, part of Exact Sciences
Classification: Likely benign for ARID1B-related condition. Last evaluated: 2025-10-23. Review status: criteria provided, single submitter. Criteria: ACMG Guidelines, 2015. Collection method: clinical testing. Allele origin: germline.
Comment: This variant is classified as likely benign based on ACMG/AMP sequence variant interpretation guidelines (Richards et al. 2015 PMID: 25741868, with internal and published modifications).

NM_001374828.1(ARID1B):c.2697T>C (p.Ser899=)

Gene: ARID1B (AT-rich interaction domain 1B; plus strand). Cytogenetic location: 6q25.3.
Variant type: single nucleotide variant.
Coding change: c.2697T>C on transcript NM_001374828.1 (MANE Select); coding-DNA position 2697, T replaced by C.
Protein change: p.Ser899=; no amino-acid change (serine 899 retained).
Molecular consequence: synonymous variant. On other transcripts: intron variant (1).
Genome position (GRCh38, 1-based): chr6:157,133,143, T>C. VCF-style: chr6-157133143-T-C. GRCh37 (hg19) VCF-style: chr6-157454277-T-C.
Other names: c.2487T>C (NM_020732.3); c.198T>C, p.Ser66= (NM_001363725.2, NM_001438488.1); c.2736T>C, p.Ser912= (NM_001371656.1, NM_001374820.1); c.2697T>C, p.Ser899= (NM_001438482.1, NM_017519.3); c.2739T>C, p.Ser913= (NM_001438483.1, NM_001438486.1); c.2607T>C, p.Ser869= (NM_001438485.1); c.2582-15481T>C (NM_001438487.1).
Identifiers: ClinVar variation 4992080 (VCV004992080.1).